The following is an entry in ClinVar:

NM_001009944.3(PKD1):c.6496C>T (p.Arg2166Cys)

Gene: PKD1 (polycystin 1, transient receptor potential channel interacting; minus strand). Cytogenetic location: 16p13.3.
Variant type: single nucleotide variant.
Coding change: c.6496C>T on transcript NM_001009944.3 (MANE Select); coding-DNA position 6496, C replaced by T.
Protein change: p.Arg2166Cys; replaces arginine 2166 with cysteine.
Molecular consequence: missense variant.
Genome position (GRCh38, 1-based): chr16:2,108,671, G>A on the plus strand (C>T on the coding strand, the complement: PKD1 is on the minus strand). VCF-style: chr16-2108671-G-A. GRCh37 (hg19) VCF-style: chr16-2158672-G-A.
Other names: c.6496C>T, p.Arg2166Cys (NM_000296.4); short protein forms R2166C.
Identifiers: ClinVar variation 256989 (VCV000256989.49), dbSNP rs146096401, ClinGen allele CA7831586.

ClinVar aggregate classification (germline): Benign/Likely benign. Review status: criteria provided, multiple submitters, no conflicts (2 of 4 stars). 9 submissions from 9 submitters: Benign (6); Likely benign (2). 1 of the submissions does not count toward it. Last evaluated 2026-03-02.

Conditions:
Polycystic kidney disease, adult type (PKD1). Also called: POLYCYSTIC KIDNEY DISEASE 1 WITH OR WITHOUT POLYCYSTIC LIVER DISEASE; Polycystic Kidney Disease 1, Autosomal Dominant; Polycystic kidney disease 1; Polycystic kidney disease 1, severe; Polycystic Kidney, Autosomal Dominant; POLYCYSTIC KIDNEY DISEASE, ADULT, TYPE I. Identifiers: MedGen C3149841, MONDO:0008263, OMIM 173900.

Allele frequency attached by ClinVar (database versions not stated): gnomAD exomes 0.00189 and 0.00324; gnomAD 0.00275 and 0.00289; TOPMed 0.00075; 1000 Genomes Project 30x 0.00094; ESP Exome Variant Server 0.00109; 1000 Genomes Project 0.00120; ExAC 0.00505.
gnomAD v4.1: 3,052 of 1,566,168 alleles (0.19%); highest among the groups gnomAD compares: Non-Finnish European, 0.14%; 13 homozygotes.

Submissions (9):

Women's Health and Genetics/Laboratory Corporation of America, LabCorp
Classification: Likely benign. Last evaluated: 2026-03-02. Review status: criteria provided, single submitter. Criteria: LabCorp Variant Classification Summary - May 2015. Collection method: clinical testing. Allele origin: germline.
Comment: Variant summary: PKD1 c.6496C>T (p.Arg2166Cys) results in a non-conservative amino acid change in the encoded protein sequence. Algorithms developed to predict the effect of missense changes on protein structure and function are either unavailable or do not agree on the potential impact of this missense change. The variant allele was found at a frequency of 0.0019 in 1566168 control chromosomes, predominantly at a frequency of 0.022 within the Finnish subpopulation in the gnomAD database, including 11 homozygotes. The observed variant frequency within Finnish control individuals in the gnomAD database exceeds the estimated maximal expected allele frequency for disease-causing variants in PKD1. c.6496C>T has been observed in individuals affected with or suspected of Autosomal Dominant Polycystic Kidney Disease, including several related individuals (e.g. Garcia-Gonzalez_2007, Cornec-Le Gall_2013, Liu_2015, Hwang_2016, Nielsen_2021). However, these reports do not provide unequivocal conclusions about association of the variant with PKD1-related conditions. To our knowledge, no experimental evidence demonstrating an impact on protein function has been reported. The following publications have been ascertained in the context of this evaluation (PMID: 23431072, 17574468, 26453610, 26632257, 33639313). ClinVar contains an entry for this variant (Variation ID: 256989). Based on the evidence outlined above, the variant was classified as likely benign.

CeGaT Center for Human Genetics Tuebingen
Classification: Benign. Last evaluated: 2025-10-01. Review status: criteria provided, single submitter. Criteria: CeGaT Center For Human Genetics Tuebingen Variant Classification Criteria Version 2. Collection method: clinical testing. Allele origin: germline. Affected: yes. Observed: 2 variant alleles.
Comment: PKD1: BP4, BS1, BS2

Blueprint Genetics
Classification: Likely benign. Last evaluated: 2024-11-26. Review status: criteria provided, single submitter. Criteria: ACMG Guidelines, 2015. Collection method: clinical testing. Allele origin: germline.

Mendelics
Classification: Benign for Polycystic kidney disease, adult type. Last evaluated: 2023-08-22. Review status: criteria provided, single submitter. Criteria: Mendelics Assertion Criteria 2019. Collection method: clinical testing. Allele origin: germline.

Department of Pathology and Laboratory Medicine, Sinai Health System
Classification: Benign for Polycystic kidney disease, adult type. Last evaluated: 2020-06-25. Review status: criteria provided, single submitter. Criteria: ACMG Guidelines, 2015. Collection method: clinical testing. Allele origin: germline. Affected: yes.

ARUP Laboratories, Molecular Genetics and Genomics, ARUP Laboratories
Classification: Benign for Polycystic kidney disease, adult type. Last evaluated: 2020-04-15. Review status: criteria provided, single submitter. Criteria: ARUP Molecular Germline Variant Investigation Process. Collection method: clinical testing. Allele origin: germline.

GeneDx
Classification: Benign. Last evaluated: 2020-02-20. Review status: criteria provided, single submitter. Criteria: GeneDx Variant Classification Process June 2021. Collection method: clinical testing. Allele origin: germline. Affected: yes.
Comment: This variant is associated with the following publications: (PMID: 26632257, 17574468)

PreventionGenetics, part of Exact Sciences
Classification: Benign. Review status: criteria provided, single submitter. Criteria: ACMG Guidelines, 2015. Collection method: clinical testing. Allele origin: germline.

Clinical Genetics DNA and cytogenetics Diagnostics Lab, Erasmus MC, Erasmus Medical Center
Classification: Likely benign. Review status: no assertion criteria provided. Collection method: clinical testing. Allele origin: germline. Affected: yes. Study: VKGL Data-share Consensus. Not counted in ClinVar's aggregate classification.

Literature cited by the submitters: PubMed 33639313 (cited by Women's Health and Genetics/Laboratory Corporation of America, LabCorp); PubMed 23431072 (cited by Women's Health and Genetics/Laboratory Corporation of America, LabCorp); PubMed 26453610 (cited by Women's Health and Genetics/Laboratory Corporation of America, LabCorp); PubMed 17574468 (cited by Women's Health and Genetics/Laboratory Corporation of America, LabCorp and Department of Pathology and Laboratory Medicine, Sinai Health System); PubMed 26632257 (cited by Women's Health and Genetics/Laboratory Corporation of America, LabCorp); PubMed 22508176 (cited by Department of Pathology and Laboratory Medicine, Sinai Health System).